The following is an entry in ClinVar:

ClinVar aggregate classification (germline): Uncertain significance (1 of 4 stars; one submission).

Conditions:
Melnick-Fraser syndrome (BOR). Also called: Branchiootorenal syndrome; Branchio-oto-renal syndrome; Branchiootorenal Syndrome (BORS). Identifiers: Orphanet 107, MedGen C0265234, MONDO:0007029.

Submission:

Labcorp Genetics (formerly Invitae), Labcorp
Classification: Uncertain significance for Melnick-Fraser syndrome. Last evaluated: 2024-09-10. Review status: criteria provided, single submitter. Criteria: Invitae Variant Classification Sherloc (09022015). Collection method: clinical testing. Allele origin: germline.
Comment: This sequence change falls in intron 14 of the EYA1 gene. It does not directly change the encoded amino acid sequence of the EYA1 protein. It affects a nucleotide within the consensus splice site. This variant is not present in population databases (gnomAD no frequency). This variant has not been reported in the literature in individuals affected with EYA1-related conditions. Variants that disrupt the consensus splice site are a relatively common cause of aberrant splicing (PMID: 17576681, 9536098). Algorithms developed to predict the effect of sequence changes on RNA splicing suggest that this variant may disrupt the consensus splice site. This variant disrupts the c.1360+5G nucleotide in the EYA1 gene. Other variant(s) that disrupt this nucleotide have been determined to be pathogenic (PMID: 19206155, 30268946). This suggests that this nucleotide is clinically significant, and that variants that disrupt this position are likely to be disease-causing. In summary, the available evidence is currently insufficient to determine the role of this variant in disease. Therefore, it has been classified as a Variant of Uncertain Significance.

Literature cited by the submitters: PubMed 17576681; PubMed 9536098; PubMed 19206155; PubMed 30268946.

NM_000503.6(EYA1):c.1360+5G>C

Gene: EYA1 (EYA transcriptional coactivator and phosphatase 1; minus strand). Cytogenetic location: 8q13.3.
Variant type: single nucleotide variant.
Coding change: c.1360+5G>C on transcript NM_000503.6 (MANE Select); 5 bases into the intron after coding-DNA position 1360, G replaced by C.
Molecular consequence: intron variant.
Genome position (GRCh38, 1-based): chr8:71,216,687, C>G on the plus strand (G>C on the coding strand, the complement: EYA1 is on the minus strand). VCF-style: chr8-71216687-C-G. GRCh37 (hg19) VCF-style: chr8-72128922-C-G.
Other names: c.1339+5G>C (NM_001370336.1); c.1447+5G>C (NM_001370333.1); c.1360+5G>C (NM_001370335.1, NM_001370334.1, NM_172058.4); c.1342+5G>C (NM_172059.5, NM_001288574.2); c.1261+5G>C (NM_001411797.1, NM_172060.4); c.994+5G>C (NM_001288575.2).
Identifiers: ClinVar variation 3730487 (VCV003730487.2).